The following is an entry in ClinVar:

NM_000535.7(PMS2):c.1329A>T (p.Arg443Ser)

Gene: PMS2 (PMS1 homolog 2, mismatch repair system component; minus strand). Cytogenetic location: 7p22.1.
Variant type: single nucleotide variant.
Coding change: c.1329A>T on transcript NM_000535.7 (MANE Select); coding-DNA position 1329, A replaced by T.
Protein change: p.Arg443Ser; replaces arginine 443 with serine.
Molecular consequence: missense variant. On other transcripts: non-coding transcript variant (1).
Genome position (GRCh38, 1-based): chr7:5,987,436, T>A on the plus strand (A>T on the coding strand, the complement: PMS2 is on the minus strand). VCF-style: chr7-5987436-T-A. GRCh37 (hg19) VCF-style: chr7-6027067-T-A.
Other names: c.924A>T, p.Arg308Ser (NM_001322003.2, NM_001322004.2, NM_001322005.2 and 1 more transcripts); c.1173A>T, p.Arg391Ser (NM_001322006.2); c.1011A>T, p.Arg337Ser (NM_001322007.2, NM_001322008.2); c.768A>T, p.Arg256Ser (NM_001322010.2); c.396A>T, p.Arg132Ser (NM_001322011.2, NM_001322012.2); c.756A>T, p.Arg252Ser (NM_001322013.2); c.1329A>T, p.Arg443Ser (NM_001322014.2); c.1020A>T, p.Arg340Ser (NM_001322015.2); short protein forms R443S, R308S, R337S, R340S, R132S, R252S, R256S, R391S.
Identifiers: ClinVar variation 234869 (VCV000234869.24), dbSNP rs192720342, ClinGen allele CA043077.

ClinVar aggregate classification (germline): Uncertain significance. Review status: criteria provided, multiple submitters, no conflicts (2 of 4 stars). 8 submissions from 8 submitters: Uncertain significance (8). Last evaluated 2025-10-19.

Conditions:
Mismatch repair cancer syndrome 4. Identifiers: MedGen C5436817, MONDO:0030843, OMIM 619101.
Lynch syndrome 4 (LYNCH4). Also called: Hereditary non-polyposis colorectal cancer, type 4; Colorectal cancer, hereditary nonpolyposis, type 4. Identifiers: Orphanet 144, MedGen C1838333, MONDO:0013699, OMIM 614337. Disease mechanism: loss of function.
Hereditary cancer-predisposing syndrome. Also called: Neoplastic Syndromes, Hereditary; Hereditary Cancer Syndrome; Tumor predisposition; Hereditary neoplastic syndrome. Identifiers: Orphanet 140162, MedGen C0027672, MeSH D009386, MONDO:0015356.
Lynch syndrome. Identifiers: Orphanet 144, MedGen C4552100, MONDO:0005835. Disease mechanism: loss of function.
Hereditary nonpolyposis colorectal neoplasms. Identifiers: MedGen C0009405, MeSH D003123.

Allele frequency attached by ClinVar (database versions not stated): gnomAD exomes below 0.00001; TOPMed below 0.00001; ExAC 0.00001; gnomAD 0.00001; 1000 Genomes Project 0.00020; 1000 Genomes Project 30x 0.00031.
gnomAD v4.1: 5 of 1,614,146 alleles (0.00031%); highest among the groups gnomAD compares: Admixed American, 0.0083%; no homozygotes.

Submissions (8):

Ambry Genetics
Classification: Uncertain significance for Hereditary cancer-predisposing syndrome. Last evaluated: 2025-10-19. Review status: criteria provided, single submitter. Criteria: Ambry Variant Classification Scheme 2023. Collection method: clinical testing. Allele origin: germline.
Comment: The p.R443S variant (also known as c.1329A>T), located in coding exon 11 of the PMS2 gene, results from an A to T substitution at nucleotide position 1329. The arginine at codon 443 is replaced by serine, an amino acid with dissimilar properties. This amino acid position is poorly conserved in available vertebrate species. In addition, this alteration is predicted to be tolerated by in silico analysis. Since supporting evidence is limited at this time, the clinical significance of this alteration remains unclear.

Labcorp Genetics (formerly Invitae), Labcorp
Classification: Uncertain significance for Hereditary nonpolyposis colorectal neoplasms. Last evaluated: 2025-07-22. Review status: criteria provided, single submitter. Criteria: Invitae Variant Classification Sherloc (09022015). Collection method: clinical testing. Allele origin: germline.
Comment: This sequence change replaces arginine, which is basic and polar, with serine, which is neutral and polar, at codon 443 of the PMS2 protein (p.Arg443Ser). This variant is not present in population databases (gnomAD no frequency). This variant has not been reported in the literature in individuals affected with PMS2-related conditions. ClinVar contains an entry for this variant (Variation ID: 234869). Invitae Evidence Modeling incorporating data from in vitro experimental studies (internal data) indicates that this missense variant is not expected to disrupt PMS2 function with a negative predictive value of 95%. In summary, the available evidence is currently insufficient to determine the role of this variant in disease. Therefore, it has been classified as a Variant of Uncertain Significance.

All of Us Research Program, National Institutes of Health
Classification: Uncertain significance for Lynch syndrome. Last evaluated: 2024-07-10. Review status: criteria provided, single submitter. Criteria: ACMG Guidelines, 2015. Collection method: clinical testing. Allele origin: germline. Inheritance: Autosomal dominant inheritance. Observed: 1 variant allele, 1 heterozygote.
Comment: This missense variant replaces arginine with serine at codon 443 of the PMS2 protein. Computational prediction suggests that this variant may not impact protein structure and function (internally defined REVEL score threshold <= 0.5, PMID: 27666373). To our knowledge, functional studies have not been reported for this variant. This variant has not been reported in individuals affected with PMS2-related disorders in the literature. This variant has been identified in 1/251440 chromosomes in the general population by the Genome Aggregation Database (gnomAD). The available evidence is insufficient to determine the role of this variant in disease conclusively. Therefore, this variant is classified as a Variant of Uncertain Significance.

This study involves interpretation of variants in research participants for the purpose of population health screening. Participant phenotype was not available at the time of variant classification. Additional details can be found in publication PMID: 35346344, PMCID: PMC8962531

Blueprint Genetics
Classification: Uncertain significance. Last evaluated: 2024-03-22. Review status: criteria provided, single submitter. Criteria: ACMG Guidelines, 2015. Collection method: clinical testing. Allele origin: germline.

Color Diagnostics, LLC DBA Color Health
Classification: Uncertain significance for Hereditary cancer-predisposing syndrome. Last evaluated: 2023-12-05. Review status: criteria provided, single submitter. Criteria: ACMG Guidelines, 2015. Collection method: clinical testing. Allele origin: germline.
Comment: This missense variant replaces arginine with serine at codon 443 of the PMS2 protein. Computational prediction suggests that this variant may not impact protein structure and function (internally defined REVEL score threshold <= 0.5, PMID: 27666373). To our knowledge, functional studies have not been reported for this variant. This variant has not been reported in individuals affected with PMS2-related disorders in the literature. This variant has been identified in 1/251440 chromosomes in the general population by the Genome Aggregation Database (gnomAD). The available evidence is insufficient to determine the role of this variant in disease conclusively. Therefore, this variant is classified as a Variant of Uncertain Significance.

Department of Pathology and Laboratory Medicine, Sinai Health System
Classification: Uncertain significance for Lynch syndrome 4; Mismatch repair cancer syndrome 4. Last evaluated: 2023-10-03. Review status: criteria provided, single submitter. Criteria: ACMG Guidelines, 2015. Collection method: clinical testing. Allele origin: germline. Affected: yes.

Women's Health and Genetics/Laboratory Corporation of America, LabCorp
Classification: Uncertain significance. Last evaluated: 2020-08-13. Review status: criteria provided, single submitter. Criteria: LabCorp Variant Classification Summary - May 2015. Collection method: clinical testing. Allele origin: germline.
Comment: Variant summary: PMS2 c.1329A>T (p.Arg443Ser) results in a non-conservative amino acid change in the encoded protein sequence. Four of five in-silico tools predict a benign effect of the variant on protein function. Several computational tools predict a significant impact on normal splicing: Four predict the variant creates a cryptic 5 donor site. However, these predictions have yet to be confirmed by functional studies. The variant allele was found at a frequency of 4e-06 in 251440 control chromosomes (gnomAD). The available data on variant occurrences in the general population are insufficient to allow any conclusion about variant significance. To our knowledge, no occurrence of c.1329A>T in individuals affected with Lynch Syndrome and no experimental evidence demonstrating its impact on protein function have been reported. Four ClinVar submitters (evaluation after 2014) cite the variant as uncertain significance. Based on the evidence outlined above, the variant was classified as uncertain significance.

GeneDx
Classification: Uncertain significance. Last evaluated: 2019-07-02. Review status: criteria provided, single submitter. Criteria: GeneDx Variant Classification Process June 2021. Collection method: clinical testing. Allele origin: germline. Affected: yes.
Comment: Not observed in large population cohorts (Lek et al., 2016); In silico analysis, which includes protein predictors and evolutionary conservation, supports that this variant does not alter protein structure/function; Has not been previously published as pathogenic or benign to our knowledge; In silico analysis, which includes splice predictors and evolutionary conservation, suggests this variant may impact gene splicing. In the absence of RNA/functional studies, the actual effect of this sequence change is unknown.